The following is an entry in ClinVar:

NM_001171.6(ABCC6):c.2494G>A (p.Ala832Thr)

Gene: ABCC6 (ATP binding cassette subfamily C member 6; minus strand). Cytogenetic location: 16p13.11.
Variant type: single nucleotide variant.
Coding change: c.2494G>A on transcript NM_001171.6 (MANE Select); coding-DNA position 2494, G replaced by A.
Protein change: p.Ala832Thr; replaces alanine 832 with threonine.
Molecular consequence: missense variant.
Genome position (GRCh38, 1-based): chr16:16,177,548, C>T on the plus strand (G>A on the coding strand, the complement: ABCC6 is on the minus strand). VCF-style: chr16-16177548-C-T. GRCh37 (hg19) VCF-style: chr16-16271405-C-T.
Other names: c.2494G>A (NM_001171.5); c.2152G>A, p.Ala718Thr (NM_001351800.1); short protein forms A718T, A832T.
Identifiers: ClinVar variation 2190930 (VCV002190930.3), dbSNP rs772456820, ClinGen allele CA7925897.

ClinVar aggregate classification (germline): Uncertain significance. Review status: criteria provided, multiple submitters, no conflicts (2 of 4 stars). 2 submissions from 2 submitters: Uncertain significance (2). Last evaluated 2025-11-08.

Conditions:
Inborn genetic diseases. Identifiers: MedGen C0950123, MeSH D030342.

Allele frequency attached by ClinVar (database versions not stated): TOPMed 0.00001; gnomAD exomes 0.00001.
gnomAD v4.1: 11 of 1,614,222 alleles (0.00068%); highest among the groups gnomAD compares: Middle Eastern, 0.016%; no homozygotes.

Submissions (2):

Ambry Genetics
Classification: Uncertain significance for Inborn genetic diseases. Last evaluated: 2025-11-08. Review status: criteria provided, single submitter. Criteria: Ambry Variant Classification Scheme 2023. Collection method: clinical testing. Allele origin: germline.

Labcorp Genetics (formerly Invitae), Labcorp
Classification: Uncertain significance. Last evaluated: 2022-06-05. Review status: criteria provided, single submitter. Criteria: Invitae Variant Classification Sherloc (09022015). Collection method: clinical testing. Allele origin: germline.
Comment: Advanced modeling of protein sequence and biophysical properties (such as structural, functional, and spatial information, amino acid conservation, physicochemical variation, residue mobility, and thermodynamic stability) performed at Invitae indicates that this missense variant is not expected to disrupt ABCC6 protein function. This variant has not been reported in the literature in individuals affected with ABCC6-related conditions. This variant is present in population databases (rs772456820, gnomAD 0.006%). This sequence change replaces alanine, which is neutral and non-polar, with threonine, which is neutral and polar, at codon 832 of the ABCC6 protein (p.Ala832Thr). In summary, the available evidence is currently insufficient to determine the role of this variant in disease. Therefore, it has been classified as a Variant of Uncertain Significance.